The following is an entry in ClinVar:

ClinVar aggregate classification (germline): Uncertain significance (1 of 4 stars; one submission).

Conditions:
Charcot-Marie-Tooth disease axonal type 2L. Also called: CHARCOT-MARIE-TOOTH DISEASE, AXONAL, AUTOSOMAL DOMINANT, TYPE 2L; CHARCOT-MARIE-TOOTH NEUROPATHY, AXONAL, TYPE 2L; Charcot-Marie-Tooth Neuropathy Type 2L. Identifiers: Orphanet 99945, MedGen C1837552, MONDO:0012096, OMIM 608673.

Allele frequency attached by ClinVar (database versions not stated): gnomAD exomes below 0.00001; TOPMed below 0.00001.
gnomAD v4.1: 1 of 1,614,122 alleles (0.000062%); highest among the groups gnomAD compares: Non-Finnish European, 0.000085%; no homozygotes.

Submission:

Labcorp Genetics (formerly Invitae), Labcorp
Classification: Uncertain significance for Charcot-Marie-Tooth disease axonal type 2L. Last evaluated: 2019-10-10. Review status: criteria provided, single submitter. Criteria: Invitae Variant Classification Sherloc (09022015). Collection method: clinical testing. Allele origin: germline.
Comment: In summary, the available evidence is currently insufficient to determine the role of this variant in disease. Therefore, it has been classified as a Variant of Uncertain Significance. Algorithms developed to predict the effect of missense changes on protein structure and function are either unavailable or do not agree on the potential impact of this missense change (SIFT: "Deleterious"; PolyPhen-2: "Probably Damaging"; Align-GVGD: "Class C0"). This variant has not been reported in the literature in individuals with HSPB8-related conditions. This variant is not present in population databases (ExAC no frequency). This sequence change replaces arginine with cysteine at codon 15 of the HSPB8 protein (p.Arg15Cys). The arginine residue is highly conserved and there is a large physicochemical difference between arginine and cysteine.

NM_014365.3(HSPB8):c.43C>T (p.Arg15Cys)

Gene: HSPB8 (heat shock protein family B (small) member 8; plus strand). Cytogenetic location: 12q24.23.
Variant type: single nucleotide variant.
Coding change: c.43C>T on transcript NM_014365.3 (MANE Select); coding-DNA position 43, C replaced by T.
Protein change: p.Arg15Cys; replaces arginine 15 with cysteine.
Molecular consequence: missense variant.
Genome position (GRCh38, 1-based): chr12:119,179,355, C>T. VCF-style: chr12-119179355-C-T. GRCh37 (hg19) VCF-style: chr12-119617160-C-T.
Other names: short protein forms R15C.
Identifiers: ClinVar variation 934552 (VCV000934552.9), dbSNP rs1954619848, ClinGen allele CA386523916.
Genomic context (GRCh38, chr12:119,179,355, plus strand): 5'-CTGAGCTGAGCAGCCACCATGGCTGACGGTCAGATGCCCTTCTCCTGCCACTACCCAAGC[C>T]GCCTGCGCCGAGACCCCTTCCGGGACTCTCCCCTCTCCTCTCGCCTGCTGGATGATGGCT-3'
Protein context (NP_055180.1, residues 5-25): QMPFSCHYPS[Arg15Cys]LRRDPFRDSP